The following is an entry in ClinVar:

ClinVar aggregate classification (germline): Conflicting classifications of pathogenicity. Review status: criteria provided, conflicting classifications (1 of 4 stars). 2 submissions from 2 submitters: Likely pathogenic (1); Uncertain significance (1). Last evaluated 2025-07-03.

Allele frequency attached by ClinVar (database versions not stated): gnomAD exomes below 0.00001; TOPMed 0.00001; gnomAD 0.00003.
gnomAD v4.1: 9 of 1,613,970 alleles (0.00056%); highest among the groups gnomAD compares: Admixed American, 0.005%; no homozygotes.

Submissions (2):

Women's Health and Genetics/Laboratory Corporation of America, LabCorp
Classification: Uncertain significance. Last evaluated: 2025-07-03. Review status: criteria provided, single submitter. Criteria: LabCorp Variant Classification Summary - May 2015. Collection method: clinical testing. Allele origin: germline.
Comment: Variant summary: USH2A c.11267G>A (p.Gly3756Asp) results in a non-conservative amino acid change located in the Fibronectin type III domain (IPR003961) of the encoded protein sequence. Algorithms developed to predict the effect of missense changes on protein structure and function all suggest that this variant is likely to be disruptive. The variant was absent in 251322 control chromosomes. The available data on variant occurrences in the general population are insufficient to allow any conclusion about variant significance. To our knowledge, no occurrence of c.11267G>A in individuals affected with Usher Syndrome and no experimental evidence demonstrating its impact on protein function have been reported. ClinVar contains an entry for this variant (Variation ID: 3021066). Based on the evidence outlined above, the variant was classified as uncertain significance.

Labcorp Genetics (formerly Invitae), Labcorp
Classification: Likely pathogenic. Last evaluated: 2023-11-13. Review status: criteria provided, single submitter. Criteria: Invitae Variant Classification Sherloc (09022015). Collection method: clinical testing. Allele origin: germline.
Comment: This sequence change replaces glycine, which is neutral and non-polar, with aspartic acid, which is acidic and polar, at codon 3756 of the USH2A protein (p.Gly3756Asp). This variant is present in population databases (no rsID available, gnomAD 0.01%). This variant has not been reported in the literature in individuals affected with USH2A-related conditions. Advanced modeling of protein sequence and biophysical properties (such as structural, functional, and spatial information, amino acid conservation, physicochemical variation, residue mobility, and thermodynamic stability) performed at Invitae indicates that this missense variant is expected to disrupt USH2A protein function with a positive predictive value of 95%. This variant disrupts the p.Gly3756 amino acid residue in USH2A. Other variant(s) that disrupt this residue have been determined to be pathogenic (PMID: 30924848). This suggests that this residue is clinically significant, and that variants that disrupt this residue are likely to be disease-causing. In summary, the currently available evidence indicates that the variant is pathogenic, but additional data are needed to prove that conclusively. Therefore, this variant has been classified as Likely Pathogenic.

Literature cited by the submitters: PubMed 30924848 (cited by Labcorp Genetics (formerly Invitae), Labcorp).

NM_206933.4(USH2A):c.11267G>A (p.Gly3756Asp)

Gene: USH2A (usherin; minus strand). Cytogenetic location: 1q41.
Variant type: single nucleotide variant.
Coding change: c.11267G>A on transcript NM_206933.4 (MANE Select); coding-DNA position 11267, G replaced by A.
Protein change: p.Gly3756Asp; replaces glycine 3756 with aspartic acid.
Molecular consequence: missense variant.
Genome position (GRCh38, 1-based): chr1:215,758,717, C>T on the plus strand (G>A on the coding strand, the complement: USH2A is on the minus strand). VCF-style: chr1-215758717-C-T. GRCh37 (hg19) VCF-style: chr1-215932059-C-T.
Other names: short protein forms G3756D.
Identifiers: ClinVar variation 3021066 (VCV003021066.6), dbSNP rs1243406137, ClinGen allele CA344821081.
Genomic context (GRCh38, chr1:215,758,717, plus strand): 5'-TAGATTTCTTCTGGTGTTGACATAGGTGTTTGAACAATGTAATCATCACTAGCACTGCTG[C>T]CACCTCCAGTTTTGACTTCTAACTTGTAAGTGTATCTATATTTAAAAAGAAAGAAGAATT-3'
Protein context (NP_996816.3, residues 3746-3766): TYKLEVKTGG[Gly3756Asp]SSASDDYIVQ